The following is an entry in ClinVar:

ClinVar aggregate classification (germline): Likely benign. Review status: criteria provided, multiple submitters, no conflicts (2 of 4 stars). 2 submissions from 2 submitters: Likely benign (2). Last evaluated 2025-07-31.

Conditions:
Lynch syndrome 4 (LYNCH4). Also called: Hereditary non-polyposis colorectal cancer, type 4; Colorectal cancer, hereditary nonpolyposis, type 4. Identifiers: Orphanet 144, MedGen C1838333, MONDO:0013699, OMIM 614337. Disease mechanism: loss of function.
Hereditary nonpolyposis colorectal neoplasms. Identifiers: MedGen C0009405, MeSH D003123.

Submissions (2):

Labcorp Genetics (formerly Invitae), Labcorp
Classification: Likely benign for Hereditary nonpolyposis colorectal neoplasms. Last evaluated: 2025-07-31. Review status: criteria provided, single submitter. Criteria: Invitae Variant Classification Sherloc (09022015). Collection method: clinical testing. Allele origin: germline.

Myriad Genetics, Inc.
Classification: Likely benign for Lynch syndrome 4. Last evaluated: 2025-02-03. Review status: criteria provided, single submitter. Criteria: Myriad Autosomal Dominant, Autosomal Recessive and X-Linked Classification Criteria (2023). Collection method: clinical testing. Allele origin: unknown.
Comment: This variant is considered likely benign. This variant is intronic and is not expected to impact mRNA splicing.

NM_000535.7(PMS2):c.2007-4G>T

Gene: PMS2 (PMS1 homolog 2, mismatch repair system component; minus strand). Cytogenetic location: 7p22.1.
Variant type: single nucleotide variant.
Coding change: c.2007-4G>T on transcript NM_000535.7 (MANE Select); 4 bases into the intron before coding-DNA position 2007, G replaced by T.
Molecular consequence: intron variant.
Genome position (GRCh38, 1-based): chr7:5,982,995, C>A on the plus strand (G>T on the coding strand, the complement: PMS2 is on the minus strand). VCF-style: chr7-5982995-C-A. GRCh37 (hg19) VCF-style: chr7-6022626-C-A.
Other names: c.1689-4G>T (NM_001322008.2, NM_001406883.1, NM_001322007.2 and 1 more transcripts); c.1698-4G>T (NM_001406881.1, NM_001406879.1, NM_001322015.2 and 5 more transcripts); c.1602-4G>T (NM_001406895.1, NM_001322004.2, NM_001406889.1 and 14 more transcripts); c.1236-4G>T (NM_001406911.1); c.1446-4G>T (NM_001322010.2, NM_001406906.1, NM_001406907.1); c.1533-4G>T (NM_001406902.1, NM_001406901.1); c.1494-4G>T (NM_001406904.1, NM_001406905.1); c.1434-4G>T (NM_001322013.2, NM_001406909.1); and 16 more.
Identifiers: ClinVar variation 3903462 (VCV003903462.2).